The following is an entry in ClinVar:

ClinVar aggregate classification (germline): Uncertain significance. Review status: criteria provided, multiple submitters, no conflicts (2 of 4 stars). 3 submissions from 3 submitters: Uncertain significance (3). Last evaluated 2025-02-11.

Conditions:
Inborn genetic diseases. Identifiers: MedGen C0950123, MeSH D030342.
Fanconi anemia (FA). Also called: Fanconi's anemia. Identifiers: Orphanet 84, MedGen C0015625, MeSH D005199, MONDO:0019391.

Allele frequency attached by ClinVar (database versions not stated): gnomAD exomes below 0.00001; gnomAD 0.00001; TOPMed 0.00003; ESP Exome Variant Server 0.00008.
gnomAD v4.1: 2 of 1,614,024 alleles (0.00012%); highest among the groups gnomAD compares: Non-Finnish European, 0.00017%; no homozygotes.

Submissions (3):

GeneDx
Classification: Uncertain significance. Last evaluated: 2025-02-11. Review status: criteria provided, single submitter. Criteria: GeneDx Variant Classification Process June 2021. Collection method: clinical testing. Allele origin: germline.
Comment: Not observed at significant frequency in large population cohorts (gnomAD); In silico analysis supports that this missense variant has a deleterious effect on protein structure/function; Has not been previously published as pathogenic or benign to our knowledge

Ambry Genetics
Classification: Uncertain significance for Inborn genetic diseases. Last evaluated: 2025-01-06. Review status: criteria provided, single submitter. Criteria: Ambry Variant Classification Scheme 2023. Collection method: clinical testing. Allele origin: germline.
Comment: The p.S192R variant (also known as c.574A>C), located in coding exon 6 of the FANCA gene, results from an A to C substitution at nucleotide position 574. The serine at codon 192 is replaced by arginine, an amino acid with dissimilar properties. This amino acid position is conserved. In addition, this alteration is predicted to be tolerated by in silico analysis. Based on the available evidence, the clinical significance of this variant remains unclear.

Labcorp Genetics (formerly Invitae), Labcorp
Classification: Uncertain significance for Fanconi anemia. Last evaluated: 2024-04-04. Review status: criteria provided, single submitter. Criteria: Invitae Variant Classification Sherloc (09022015). Collection method: clinical testing. Allele origin: germline.
Comment: This sequence change replaces serine, which is neutral and polar, with arginine, which is basic and polar, at codon 192 of the FANCA protein (p.Ser192Arg). This variant is present in population databases (rs373948590, gnomAD 0.0009%). This variant has not been reported in the literature in individuals affected with FANCA-related conditions. ClinVar contains an entry for this variant (Variation ID: 2060960). Advanced modeling of protein sequence and biophysical properties (such as structural, functional, and spatial information, amino acid conservation, physicochemical variation, residue mobility, and thermodynamic stability) performed at Invitae indicates that this missense variant is not expected to disrupt FANCA protein function with a negative predictive value of 80%. In summary, the available evidence is currently insufficient to determine the role of this variant in disease. Therefore, it has been classified as a Variant of Uncertain Significance.

NM_000135.4(FANCA):c.574A>C (p.Ser192Arg)

Gene: FANCA (FA complementation group A; minus strand). Cytogenetic location: 16q24.3.
Variant type: single nucleotide variant.
Coding change: c.574A>C on transcript NM_000135.4 (MANE Select); coding-DNA position 574, A replaced by C.
Protein change: p.Ser192Arg; replaces serine 192 with arginine.
Molecular consequence: missense variant.
Genome position (GRCh38, 1-based): chr16:89,808,316, T>G on the plus strand (A>C on the coding strand, the complement: FANCA is on the minus strand). VCF-style: chr16-89808316-T-G. GRCh37 (hg19) VCF-style: chr16-89874724-T-G.
Other names: c.574A>C, p.Ser192Arg (NM_001018112.3, NM_001286167.3); c.478A>C, p.Ser160Arg (NM_001351830.2); short protein forms S160R, S192R.
Identifiers: ClinVar variation 2060960 (VCV002060960.6), dbSNP rs373948590, ClinGen allele CA286607457.
Genomic context (GRCh38, chr16:89,808,316, plus strand): 5'-GCAAAAACAGTAACACTGAATCATCATTAGCACGCTACCTTTCCAGCAGCTCTTGCAGGC[T>G]CACAATGCCTTGTACGTGAAGATGCCACACCGCTTCAAGCAACAAAGAACTCTGAAAAAC-3'
Protein context (NP_000126.2, residues 182-202): VWHLHVQGIV[Ser192Arg]LQELLESHPD